The following is an entry in ClinVar:

NM_000094.4(COL7A1):c.2858-1G>A

Gene: COL7A1 (collagen type VII alpha 1 chain; minus strand). Cytogenetic location: 3p21.31.
Variant type: single nucleotide variant.
Coding change: c.2858-1G>A on transcript NM_000094.4 (MANE Select); the canonical splice acceptor site of the intron before coding-DNA position 2858, G replaced by A.
Molecular consequence: splice acceptor variant.
Genome position (GRCh38, 1-based): chr3:48,587,555, C>T on the plus strand (G>A on the coding strand, the complement: COL7A1 is on the minus strand). VCF-style: chr3-48587555-C-T. GRCh37 (hg19) VCF-style: chr3-48624988-C-T.
Identifiers: ClinVar variation 3242578 (VCV003242578.2), dbSNP rs2531234929.

ClinVar aggregate classification (germline): Likely pathogenic (1 of 4 stars; one submission).

Conditions:
Recessive dystrophic epidermolysis bullosa (RDEB). Also called: DYSTROPHIC EPIDERMOLYSIS BULLOSA, AUTOSOMAL RECESSIVE; EPIDERMOLYSIS BULLOSA DYSTROPHICA, HALLOPEAU-SIEMENS TYPE; Hallopeau-Siemens Disease; severe generalized recessive dystrophic epidermolysis bullosa; epidermolysis bullosa dystrophica, autosomal recessive; Recessive DEB (RDEB). Identifiers: Orphanet 79408, Orphanet 79409, MedGen C0079474, MONDO:0009179, OMIM 226600.

Submission:

Women's Health and Genetics/Laboratory Corporation of America, LabCorp
Classification: Likely pathogenic for Dystrophic Epidermolysis Bullosa, Recessive. Last evaluated: 2024-03-13. Review status: criteria provided, single submitter. Criteria: LabCorp Variant Classification Summary - May 2015. Collection method: clinical testing. Allele origin: germline.
Comment: Variant summary: COL7A1 c.2858-1G>A is located in a canonical splice-site and is predicted to affect mRNA splicing resulting in a significantly altered protein due to either exon skipping, shortening, or inclusion of intronic material. Several computational tools predict a significant impact on normal splicing: Four predict the variant abolishes a 3' acceptor site, and three predict the variant creates/strengthens a cryptic 3' acceptor site shifted by 2 nucleotides. However, these predictions have yet to be confirmed by functional studies. The variant was absent in 251222 control chromosomes. c.2858-1G>A has been reported in the literature in at least two individuals affected with Dystrophic Epidermolysis Bullosa, Recessive, with one individual being compound heterozygous with a truncating variant (Varki_2007, Chen_2023). To our knowledge, no experimental evidence demonstrating an impact on protein function has been reported. The following publications have been ascertained in the context of this evaluation (PMID: 36287101, 16971478). No submitters have cited clinical-significance assessments for this variant to ClinVar. Based on the evidence outlined above, the variant was classified as likely pathogenic.

Literature cited by the submitters: PubMed 16971478; PubMed 36287101.